The following is an entry in ClinVar:

NM_000257.4(MYH7):c.5807A>G (p.Ter1936Trp)

Gene: MYH7 (myosin heavy chain 7; minus strand). Cytogenetic location: 14q11.2.
Variant type: single nucleotide variant.
Coding change: c.5807A>G on transcript NM_000257.4 (MANE Select); coding-DNA position 5807, A replaced by G.
Protein change: p.Ter1936Trp.
Molecular consequence: stop lost.
Genome position (GRCh38, 1-based): chr14:23,412,855, T>C on the plus strand (A>G on the coding strand, the complement: MYH7 is on the minus strand). VCF-style: chr14-23412855-T-C. GRCh37 (hg19) VCF-style: chr14-23882064-T-C.
Other names: *1936W; c.5807A>G (LRG_384t1).
Identifiers: ClinVar variation 42097 (VCV000042097.14), dbSNP rs367543053, ClinGen allele CA016499.

ClinVar aggregate classification (germline): Uncertain significance. Review status: criteria provided, single submitter (1 of 4 stars). 3 submissions from 3 submitters: Uncertain significance (1). 2 of the submissions do not count toward it. Last evaluated 2018-04-29.

Conditions:
Myosin storage myopathy (CMYO7A). Also called: SCAPULOPERONEAL MUSCULAR DYSTROPHY; SCAPULOPERONEAL SYNDROME, MYOPATHIC TYPE; MYH7-related late-onset scapuloperoneal muscular dystrophy; Congenital myopathy 7A, myosin storage, autosomal dominant; MYOPATHY WITH LYSIS OF TYPE I MYOFIBRILS; Scapuloperoneal myopathy, MYH7-related. Identifiers: Orphanet 437572, Orphanet 636965, MedGen C1842160, MONDO:0008409, OMIM 608358.
Congenital myopathy with fiber type disproportion. Also called: Congenital fiber-type disproportion myopathy; Congenital fiber-type disproportion. Identifiers: Orphanet 2020, MedGen C0546264, MONDO:0009711. Inheritance: all.
Hypertrophic cardiomyopathy. Also called: HYPERTROPHIC MYOCARDIOPATHY. Identifiers: Orphanet 217569, MedGen C0007194, MeSH D002312, MONDO:0005045, HP:0001639.

Submissions (3):

Labcorp Genetics (formerly Invitae), Labcorp
Classification: Uncertain significance for Hypertrophic cardiomyopathy. Last evaluated: 2018-04-29. Review status: criteria provided, single submitter. Criteria: Invitae Variant Classification Sherloc (09022015). Collection method: clinical testing. Allele origin: germline.
Comment: This variant has been observed to segregate with congenital fiber type disproportion in a family (PMID: 21288719). ClinVar contains an entry for this variant (Variation ID: 42097). This variant is not present in population databases (ExAC no frequency). This sequence change disrupts the translational stop signal of the MYH7 mRNA. It is expected to extend the length of the MYH7 protein by 31 additional amino acid residues. In summary, the available evidence is currently insufficient to determine the role of this variant in disease. Therefore, it has been classified as a Variant of Uncertain Significance. Two additional variants at this codon that result in the same elongation of the MYH7 protein (p.*1936Tyr*ext31 and p.*1936Leu*ext31) have been reported in individuals affected with MYH7-related myopathy (PMID: 27387980, 28927399). This suggests that variants that disrupt this residue are likely to be causative of disease.

OMIM
Classification: Pathogenic for CONGENITAL MYOPATHY 7A, MYOSIN STORAGE, AUTOSOMAL DOMINANT. Last evaluated: 2011-04-01. Review status: no assertion criteria provided. Collection method: literature only. Allele origin: germline. Not counted in ClinVar's aggregate classification.

GeneReviews
No classification provided. Condition: Congenital myopathy with fiber type disproportion. Review status: no classification provided. Collection method: literature only. Allele origin: unknown. Not counted in ClinVar's aggregate classification.

Literature cited by the submitters: PubMed 21288719 (cited by 3 submitters); PubMed 27387980 (cited by Labcorp Genetics (formerly Invitae), Labcorp); PubMed 28927399 (cited by Labcorp Genetics (formerly Invitae), Labcorp); PubMed 15857933 (cited by OMIM); PubMed 20301436 (cited by GeneReviews); NCBI Bookshelf NBK1259 (cited by GeneReviews).